The following is an entry in ClinVar:

ClinVar aggregate classification (germline): Uncertain significance (1 of 4 stars; one submission).

Conditions:
Hereditary cancer-predisposing syndrome. Also called: Neoplastic Syndromes, Hereditary; Tumor predisposition; Hereditary Cancer Syndrome; Hereditary neoplastic syndrome. Identifiers: Orphanet 140162, MedGen C0027672, MeSH D009386, MONDO:0015356.

Submission:

Ambry Genetics
Classification: Uncertain significance for Hereditary cancer-predisposing syndrome. Last evaluated: 2025-07-17. Review status: criteria provided, single submitter. Criteria: Ambry Variant Classification Scheme 2023. Collection method: clinical testing. Allele origin: germline.
Comment: The p.K1415R variant (also known as c.4244A>G), located in coding exon 33 of the TSC2 gene, results from an A to G substitution at nucleotide position 4244. The lysine at codon 1415 is replaced by arginine, an amino acid with highly similar properties. This amino acid position is conserved. In addition, the in silico prediction for this alteration is inconclusive. Based on the available evidence, the clinical significance of this variant remains unclear.

NM_000548.5(TSC2):c.4244A>G (p.Lys1415Arg)

Gene: TSC2 (TSC complex subunit 2; plus strand). Cytogenetic location: 16p13.3.
Variant type: single nucleotide variant.
Coding change: c.4244A>G on transcript NM_000548.5 (MANE Select); coding-DNA position 4244, A replaced by G.
Protein change: p.Lys1415Arg; replaces lysine 1415 with arginine.
Molecular consequence: missense variant. On other transcripts: non-coding transcript variant (5).
Genome position (GRCh38, 1-based): chr16:2,084,466, A>G. VCF-style: chr16-2084466-A-G. GRCh37 (hg19) VCF-style: chr16-2134467-A-G.
Other names: c.4112A>G, p.Lys1371Arg (NM_001370404.1); c.4115A>G, p.Lys1372Arg (NM_001370405.1, NM_021055.3); c.4241A>G, p.Lys1414Arg (NM_001406663.1); c.4172A>G, p.Lys1391Arg (NM_001406664.1); c.4166A>G, p.Lys1389Arg (NM_001406665.1); c.4136A>G, p.Lys1379Arg (NM_001406667.1); c.4133A>G, p.Lys1378Arg (NM_001406668.1); c.4064A>G, p.Lys1355Arg (NM_001406670.1); and 26 more; short protein forms K1149R, K1299R, K1342R, K1344R, K1349R, K1359R, K1371R, K1391R.
Identifiers: ClinVar variation 4192159 (VCV004192159.1).